The following is an entry in ClinVar:

NM_198578.4(LRRK2):c.6512G>A (p.Cys2171Tyr)

Gene: LRRK2 (leucine rich repeat kinase 2; plus strand). Cytogenetic location: 12q12.
Variant type: single nucleotide variant.
Coding change: c.6512G>A on transcript NM_198578.4 (MANE Select); coding-DNA position 6512, G replaced by A.
Protein change: p.Cys2171Tyr; replaces cysteine 2171 with tyrosine.
Molecular consequence: missense variant.
Genome position (GRCh38, 1-based): chr12:40,351,669, G>A. VCF-style: chr12-40351669-G-A. GRCh37 (hg19) VCF-style: chr12-40745471-G-A.
Other names: short protein forms C2171Y.
Identifiers: ClinVar variation 1753968 (VCV001753968.2), dbSNP rs1946358098, ClinGen allele CA384407147.

ClinVar aggregate classification (germline): Uncertain significance (1 of 4 stars; one submission).

Conditions:
Inborn genetic diseases. Identifiers: MedGen C0950123, MeSH D030342.

Submission:

Ambry Genetics
Classification: Uncertain significance for Inborn genetic diseases. Last evaluated: 2021-10-19. Review status: criteria provided, single submitter. Criteria: Ambry Variant Classification Scheme 2023. Collection method: clinical testing. Allele origin: germline.
Comment: The p.C2171Y variant (also known as c.6512G>A), located in coding exon 44 of the LRRK2 gene, results from a G to A substitution at nucleotide position 6512. The cysteine at codon 2171 is replaced by tyrosine, an amino acid with highly dissimilar properties. This amino acid position is conserved. In addition, this alteration is predicted to be tolerated by in silico analysis. Since supporting evidence is limited at this time, the clinical significance of this alteration remains unclear.